The following is an entry in ClinVar:

NM_001042681.2(RERE):c.32A>G (p.Lys11Arg)

Gene: RERE (arginine-glutamic acid dipeptide repeats; minus strand). Cytogenetic location: 1p36.23.
Variant type: single nucleotide variant.
Coding change: c.32A>G on transcript NM_001042681.2 (MANE Select); coding-DNA position 32, A replaced by G.
Protein change: p.Lys11Arg; replaces lysine 11 with arginine.
Molecular consequence: missense variant.
Genome position (GRCh38, 1-based): chr1:8,656,266, T>C on the plus strand (A>G on the coding strand, the complement: RERE is on the minus strand). VCF-style: chr1-8656266-T-C. GRCh37 (hg19) VCF-style: chr1-8716325-T-C.
Other names: c.32A>G, p.Lys11Arg (NM_012102.4); short protein forms K11R.
Identifiers: ClinVar variation 4526277 (VCV004526277.1).

ClinVar aggregate classification (germline): Uncertain significance (1 of 4 stars; one submission).

Submission:

Women's Health and Genetics/Laboratory Corporation of America, LabCorp
Classification: Uncertain significance. Last evaluated: 2025-07-22. Review status: criteria provided, single submitter. Criteria: LabCorp Variant Classification Summary - May 2015. Collection method: clinical testing. Allele origin: germline.
Comment: Variant summary: RERE c.32A>G (p.Lys11Arg) results in a conservative amino acid change in the encoded protein sequence. Algorithms developed to predict the effect of missense changes on protein structure and function are either unavailable or do not agree on the potential impact of this missense change. The variant allele was found at a frequency of 8e-06 in 249686 control chromosomes (gnomAD). The available data on variant occurrences in the general population are insufficient to allow any conclusion about variant significance. To our knowledge, no occurrence of c.32A>G in individuals affected with Neurodevelopmental Disorder With Or Without Anomalies Of The Brain, Eye, Or Heart and no experimental evidence demonstrating its impact on protein function have been reported. No submitters have cited clinical-significance assessments for this variant to ClinVar. Based on the evidence outlined above, the variant was classified as uncertain significance.